The following is an entry in ClinVar:

NM_003073.5(SMARCB1):c.703C>T (p.Pro235Ser)

Gene: SMARCB1 (SWI/SNF related BAF chromatin remodeling complex subunit B1; plus strand). Cytogenetic location: 22q11.23.
Variant type: single nucleotide variant.
Coding change: c.703C>T on transcript NM_003073.5 (MANE Select); coding-DNA position 703, C replaced by T.
Protein change: p.Pro235Ser; replaces proline 235 with serine.
Molecular consequence: missense variant.
Genome position (GRCh38, 1-based): chr22:23,816,844, C>T. VCF-style: chr22-23816844-C-T. GRCh37 (hg19) VCF-style: chr22-24159031-C-T.
Other names: c.676C>T, p.Pro226Ser (NM_001007468.3); c.730C>T, p.Pro244Ser (NM_001317946.2); c.757C>T, p.Pro253Ser (NM_001362877.2); short protein forms P226S, P235S, P253S, P244S.
Identifiers: ClinVar variation 3653455 (VCV003653455.2).

ClinVar aggregate classification (germline): Uncertain significance (1 of 4 stars; one submission).

Submission:

Labcorp Genetics (formerly Invitae), Labcorp
Classification: Uncertain significance. Last evaluated: 2024-05-15. Review status: criteria provided, single submitter. Criteria: Invitae Variant Classification Sherloc (09022015). Collection method: clinical testing. Allele origin: germline.
Comment: This sequence change replaces proline, which is neutral and non-polar, with serine, which is neutral and polar, at codon 235 of the SMARCB1 protein (p.Pro235Ser). This variant is not present in population databases (gnomAD no frequency). This variant has not been reported in the literature in individuals affected with SMARCB1-related conditions. Advanced modeling of protein sequence and biophysical properties (such as structural, functional, and spatial information, amino acid conservation, physicochemical variation, residue mobility, and thermodynamic stability) performed at Invitae indicates that this missense variant is not expected to disrupt SMARCB1 protein function with a negative predictive value of 80%. In summary, the available evidence is currently insufficient to determine the role of this variant in disease. Therefore, it has been classified as a Variant of Uncertain Significance.